The following is an entry in ClinVar:

NM_139076.3(ABRAXAS1):c.248A>T (p.Gln83Leu)

Gene: ABRAXAS1 (abraxas 1, BRCA1 A complex subunit; minus strand). Cytogenetic location: 4q21.23.
Variant type: single nucleotide variant.
Coding change: c.248A>T on transcript NM_139076.3 (MANE Select); coding-DNA position 248, A replaced by T.
Protein change: p.Gln83Leu; replaces glutamine 83 with leucine.
Molecular consequence: missense variant. On other transcripts: intron variant (1).
Genome position (GRCh38, 1-based): chr4:83,472,256, T>A on the plus strand (A>T on the coding strand, the complement: ABRAXAS1 is on the minus strand). VCF-style: chr4-83472256-T-A. GRCh37 (hg19) VCF-style: chr4-84393409-T-A.
Other names: c.-45-1860A>T (NM_001345962.2); short protein forms Q83L.
Identifiers: ClinVar variation 3447092 (VCV003447092.1).

ClinVar aggregate classification (germline): Uncertain significance (1 of 4 stars; one submission).

Submission:

Ambry Genetics
Classification: Uncertain significance. Last evaluated: 2024-09-06. Review status: criteria provided, single submitter. Criteria: Ambry Variant Classification Scheme 2023. Collection method: clinical testing. Allele origin: germline.
Comment: The p.Q83L variant (also known as c.248A>T), located in coding exon 4 of the FAM175A gene, results from an A to T substitution at nucleotide position 248. The glutamine at codon 83 is replaced by leucine, an amino acid with dissimilar properties. This amino acid position is conserved. In addition, this alteration is predicted to be tolerated by in silico analysis. Based on the available evidence, the clinical significance of this variant remains unclear.